The following is an entry in ClinVar:

ClinVar aggregate classification (germline): Conflicting classifications of pathogenicity. Review status: criteria provided, conflicting classifications (1 of 4 stars). 7 submissions from 7 submitters: Uncertain significance (2); Benign (2); Likely benign (3). Last evaluated 2026-09-01.

Conditions:
Spastic ataxia 2. Also called: Ataxia, spastic, 2, autosomal recessive. Identifiers: Orphanet 397946, MedGen C1969796, MONDO:0012651, OMIM 611302.
Hereditary spastic paraplegia. Also called: Familial spastic paraparesis. Identifiers: Orphanet 685, MedGen C0037773, MONDO:0019064. Disease mechanism: loss of function.

Allele frequency attached by ClinVar (database versions not stated): 1000 Genomes Project 30x 0.00078; 1000 Genomes Project 0.00100; TOPMed 0.00357; gnomAD 0.00433 and 0.00449; ESP Exome Variant Server 0.00446; gnomAD exomes 0.00467 and 0.00559; ExAC 0.00495.

Submissions (7):

CeGaT Center for Human Genetics Tuebingen
Classification: Likely benign. Last evaluated: 2026-09-01. Review status: criteria provided, single submitter. Criteria: CeGaT Center For Human Genetics Tuebingen Variant Classification Criteria Version 2. Collection method: clinical testing. Allele origin: germline. Affected: yes. Observed: 30 variant alleles.
Comment: KIF1C: BS2

Labcorp Genetics (formerly Invitae), Labcorp
Classification: Benign for Spastic ataxia 2. Last evaluated: 2026-02-01. Review status: criteria provided, single submitter. Criteria: Invitae Variant Classification Sherloc (09022015). Collection method: clinical testing. Allele origin: germline.

Blueprint Genetics
Classification: Likely benign. Last evaluated: 2024-11-27. Review status: criteria provided, single submitter. Criteria: ACMG Guidelines, 2015. Collection method: clinical testing. Allele origin: germline.

Mayo Clinic Laboratories, Mayo Clinic
Classification: Benign. Last evaluated: 2023-08-09. Review status: criteria provided, single submitter. Criteria: ACMG Guidelines, 2015. Collection method: clinical testing. Allele origin: germline. Observed: 9 variant alleles.
Comment: BS1, BS2

Genome Diagnostics Laboratory, The Hospital for Sick Children
Classification: Uncertain significance for Hereditary spastic paraplegia. Last evaluated: 2020-09-04. Review status: criteria provided, single submitter. Criteria: ACMG Guidelines, 2015. Collection method: clinical testing. Allele origin: germline. Affected: yes.

GeneDx
Classification: Likely benign. Last evaluated: 2020-08-31. Review status: criteria provided, single submitter. Criteria: GeneDx Variant Classification Process June 2021. Collection method: clinical testing. Allele origin: germline. Affected: yes.

Center for Pediatric Genomic Medicine, Children's Mercy Hospital and Clinics
Classification: Uncertain significance. Last evaluated: 2017-09-05. Review status: criteria provided, single submitter. Criteria: ACMG Guidelines, 2015. Collection method: clinical testing. Allele origin: germline.

NM_006612.6(KIF1C):c.1165+4G>A

Gene: KIF1C (kinesin family member 1C; plus strand). Cytogenetic location: 17p13.2.
Variant type: single nucleotide variant.
Coding change: c.1165+4G>A on transcript NM_006612.6 (MANE Select); 4 bases into the intron after coding-DNA position 1165, G replaced by A.
Molecular consequence: intron variant.
Genome position (GRCh38, 1-based): chr17:5,005,004, G>A. VCF-style: chr17-5005004-G-A. GRCh37 (hg19) VCF-style: chr17-4908299-G-A.
Other names: p.?.
Identifiers: ClinVar variation 445377 (VCV000445377.92), dbSNP rs192489748, ClinGen allele CA8318879.